The following is an entry in ClinVar:

NM_003070.5(SMARCA2):c.2764G>A (p.Glu922Lys)

Gene: SMARCA2 (SWI/SNF related BAF chromatin remodeling complex subunit ATPase 2; plus strand). Cytogenetic location: 9p24.3.
Variant type: single nucleotide variant.
Coding change: c.2764G>A on transcript NM_003070.5 (MANE Select); coding-DNA position 2764, G replaced by A.
Protein change: p.Glu922Lys; replaces glutamic acid 922 with lysine.
Molecular consequence: missense variant. On other transcripts: intron variant (1).
Genome position (GRCh38, 1-based): chr9:2,087,066, G>A. VCF-style: chr9-2087066-G-A. GRCh37 (hg19) VCF-style: chr9-2087066-G-A.
Other names: c.2764G>A, p.Glu922Lys (NM_001289396.2, NM_139045.4); c.2595+169G>A (NM_001289397.2); short protein forms E922K.
Identifiers: ClinVar variation 4075374 (VCV004075374.1).
Genomic context (GRCh38, chr9:2,087,066, plus strand): 5'-ATTTTTAAGAGCTGCAGCACATTTGAACAATGGTTCAATGCTCCATTTGCCATGACTGGT[G>A]AAAGGGTACTGGTCTGAGTTCTGTTTTTTCCACTGCATGATAATGACATGAAATGAAAGG-3'
Protein context (NP_003061.3, residues 912-932): WFNAPFAMTG[Glu922Lys]RVDLNEEETI

ClinVar aggregate classification (germline): Uncertain significance (1 of 4 stars; one submission).

Conditions:
Nicolaides-Baraitser syndrome (NCBRS). Also called: Intellectual disability-sparse hair-brachydactyly syndrome; SMARCA2-Related Nicolaides-Baraitser Syndrome. Identifiers: Orphanet 3051, MedGen C1303073, MONDO:0011053, OMIM 601358.

Submission:

Kasturba Medical College, Manipal, Kasturba Medical College, Manipal, Manipal Academy of Higher Education, Manipal, India
Classification: Uncertain significance for Nicolaides-Baraitser syndrome. Review status: criteria provided, single submitter. Criteria: ACMG Guidelines, 2015. Collection method: research. Allele origin: de novo. Inheritance: Autosomal dominant inheritance. Affected: yes.
Comment: This variant is not reported in population databases like gnomAD (v4.1.0) or in our in-house data of 3717 exomes. In-silico prediction tool (SpliceAI) is consistent in predicting this variant to cause aberrant splicing which may lead to either the formation of a truncating protein product or the transcript may undergo nonsense-mediated MRNA decay.